The following is an entry in ClinVar:

ClinVar aggregate classification (germline): Uncertain significance. Review status: criteria provided, multiple submitters, no conflicts (2 of 4 stars). 3 submissions from 3 submitters: Uncertain significance (3). Last evaluated 2025-04-12.

Conditions:
Inborn genetic diseases. Identifiers: MedGen C0950123, MeSH D030342.
Deficiency of acetyl-CoA acetyltransferase. Also called: MITOCHONDRIAL ACETOACETYL-CoA THIOLASE DEFICIENCY; Beta-ketothiolase deficiency; 3-KETOTHIOLASE DEFICIENCY; 3-OXOTHIOLASE DEFICIENCY. Identifiers: Orphanet 134, MedGen C1536500, MONDO:0008760, OMIM 203750. Disease mechanism: loss of function.

Submissions (3):

Ambry Genetics
Classification: Uncertain significance for Inborn genetic diseases. Last evaluated: 2025-04-12. Review status: criteria provided, single submitter. Criteria: Ambry Variant Classification Scheme 2023. Collection method: clinical testing. Allele origin: germline.

Labcorp Genetics (formerly Invitae), Labcorp
Classification: Uncertain significance for Deficiency of acetyl-CoA acetyltransferase. Last evaluated: 2022-04-06. Review status: criteria provided, single submitter. Criteria: Invitae Variant Classification Sherloc (09022015). Collection method: clinical testing. Allele origin: germline.
Comment: This sequence change replaces methionine, which is neutral and non-polar, with leucine, which is neutral and non-polar, at codon 296 of the ACAT1 protein (p.Met296Leu). This variant is present in population databases (rs368802454, gnomAD 0.06%). This variant has not been reported in the literature in individuals affected with ACAT1-related conditions. Algorithms developed to predict the effect of missense changes on protein structure and function (SIFT, PolyPhen-2, Align-GVGD) all suggest that this variant is likely to be tolerated. In summary, the available evidence is currently insufficient to determine the role of this variant in disease. Therefore, it has been classified as a Variant of Uncertain Significance.

Neuberg Centre For Genomic Medicine, NCGM
Classification: Uncertain significance for Deficiency of acetyl-CoA acetyltransferase. Review status: criteria provided, single submitter. Criteria: ACMG Guidelines, 2015. Collection method: clinical testing. Allele origin: germline. Inheritance: Autosomal recessive inheritance. Affected: yes.
Comment: The missense c.886A>Tp.Met296Leu variant in ACAT1 gene has not been reported previously as a pathogenic variant nor as a benign variant, to our knowledge. This variant is reported with the allele frequency of 0.007% in the gnomAD Exomes and novel in 1000 Genomes. The amino acid Met at position 296 is changed to a Leu changing protein sequence and it might alter its composition and physico-chemical properties. The amino acid change p.Met296Leu in ACAT1 is predicted as conserved by GERP++ and PhyloP across 100 vertebrates. For these reasons, this variant has been classified as Uncertain Significance.

NM_000019.4(ACAT1):c.886A>T (p.Met296Leu)

Gene: ACAT1 (acetyl-CoA acetyltransferase 1; plus strand). Cytogenetic location: 11q22.3.
Variant type: single nucleotide variant.
Coding change: c.886A>T on transcript NM_000019.4 (MANE Select); coding-DNA position 886, A replaced by T.
Protein change: p.Met296Leu; replaces methionine 296 with leucine.
Molecular consequence: missense variant. On other transcripts: non-coding transcript variant (2).
Genome position (GRCh38, 1-based): chr11:108,142,496, A>T. VCF-style: chr11-108142496-A-T. GRCh37 (hg19) VCF-style: chr11-108013223-A-T.
Other names: c.886A>T, p.Met296Leu (NM_001386677.1); c.571A>T, p.Met191Leu (NM_001386678.1); c.616A>T, p.Met206Leu (NM_001386688.1, NM_001386689.1, NM_001386690.1 and 6 more transcripts); c.589A>T, p.Met197Leu (NM_001386679.1); c.886A>T (NM_000019.3); short protein forms M191L, M197L, M206L, M296L.
Identifiers: ClinVar variation 2142508 (VCV002142508.3), dbSNP rs368802454, ClinGen allele CA6263241.